The following is an entry in ClinVar:

NM_000478.6(ALPL):c.854A>G (p.Tyr285Cys)

Gene: ALPL (alkaline phosphatase, biomineralization associated; plus strand). Cytogenetic location: 1p36.12.
Variant type: single nucleotide variant.
Coding change: c.854A>G on transcript NM_000478.6 (MANE Select); coding-DNA position 854, A replaced by G.
Protein change: p.Tyr285Cys; replaces tyrosine 285 with cysteine.
Molecular consequence: missense variant.
Genome position (GRCh38, 1-based): chr1:21,570,366, A>G. VCF-style: chr1-21570366-A-G. GRCh37 (hg19) VCF-style: chr1-21896859-A-G.
Other names: c.689A>G, p.Tyr230Cys (NM_001127501.4); c.623A>G, p.Tyr208Cys (NM_001177520.3); c.854A>G, p.Tyr285Cys (NM_001369803.2, NM_001369804.2, NM_001369805.2); short protein forms Y208C, Y230C, Y285C.
Identifiers: ClinVar variation 3689695 (VCV003689695.2).

ClinVar aggregate classification (germline): Uncertain significance (1 of 4 stars; one submission).

Submission:

Labcorp Genetics (formerly Invitae), Labcorp
Classification: Uncertain significance. Last evaluated: 2024-10-02. Review status: criteria provided, single submitter. Criteria: Invitae Variant Classification Sherloc (09022015). Collection method: clinical testing. Allele origin: germline.
Comment: This sequence change replaces tyrosine, which is neutral and polar, with cysteine, which is neutral and slightly polar, at codon 285 of the ALPL protein (p.Tyr285Cys). This variant is not present in population databases (gnomAD no frequency). This variant has not been reported in the literature in individuals affected with ALPL-related conditions. Invitae Evidence Modeling of protein sequence and biophysical properties (such as structural, functional, and spatial information, amino acid conservation, physicochemical variation, residue mobility, and thermodynamic stability) indicates that this missense variant is expected to disrupt ALPL protein function with a positive predictive value of 95%. In summary, the available evidence is currently insufficient to determine the role of this variant in disease. Therefore, it has been classified as a Variant of Uncertain Significance.